The following is an entry in ClinVar:

ClinVar aggregate classification (germline): Conflicting classifications of pathogenicity. Review status: criteria provided, conflicting classifications (1 of 4 stars). 3 submissions from 3 submitters: Uncertain significance (2); Likely benign (1). Last evaluated 2023-03-23.

Conditions:
Hereditary cancer-predisposing syndrome. Also called: Neoplastic Syndromes, Hereditary; Tumor predisposition; Hereditary neoplastic syndrome; Hereditary Cancer Syndrome. Identifiers: Orphanet 140162, MedGen C0027672, MeSH D009386, MONDO:0015356.

Submissions (3):

University of Washington Department of Laboratory Medicine, University of Washington
Classification: Likely benign for Hereditary cancer-predisposing syndrome. Last evaluated: 2023-03-23. Review status: criteria provided, single submitter. Criteria: Dines et al. (Genet Med. 2020). Collection method: curation. Allele origin: germline.
Comment: Missense variant in a coldspot region where missense variants are very unlikely to be pathogenic (PMID:31911673).

BRCA1 coldspot (exon 11 using historical exon numbering). Reclassification based on statistical prior probability

Ambry Genetics
Classification: Uncertain significance for Hereditary cancer-predisposing syndrome. Last evaluated: 2022-07-11. Review status: criteria provided, single submitter. Criteria: Ambry Variant Classification Scheme 2023. Collection method: clinical testing. Allele origin: germline.
Comment: The p.P514R variant (also known as c.1541C>G), located in coding exon 9 of the BRCA1 gene, results from a C to G substitution at nucleotide position 1541. The proline at codon 514 is replaced by arginine, an amino acid with dissimilar properties. This amino acid position is highly conserved in available vertebrate species. In addition, this alteration is predicted to be deleterious by in silico analysis. Since supporting evidence is limited at this time, the clinical significance of this alteration remains unclear.

Color Diagnostics, LLC DBA Color Health
Classification: Uncertain significance for Hereditary cancer-predisposing syndrome. Last evaluated: 2019-03-14. Review status: criteria provided, single submitter. Criteria: ACMG Guidelines, 2015. Collection method: clinical testing. Allele origin: germline.

NM_007294.4(BRCA1):c.1541C>G (p.Pro514Arg)

Gene: BRCA1 (BRCA1 DNA repair associated; minus strand). Cytogenetic location: 17q21.31.
Variant type: single nucleotide variant.
Coding change: c.1541C>G on transcript NM_007294.4 (MANE Select); coding-DNA position 1541, C replaced by G.
Protein change: p.Pro514Arg; replaces proline 514 with arginine.
Molecular consequence: missense variant. On other transcripts: intron variant (137).
Genome position (GRCh38, 1-based): chr17:43,093,990, G>C on the plus strand (C>G on the coding strand, the complement: BRCA1 is on the minus strand). VCF-style: chr17-43093990-G-C. GRCh37 (hg19) VCF-style: chr17-41246007-G-C.
Other names: c.1460C>G, p.Pro487Arg (NM_001407662.1, NM_001407659.1, NM_001407660.1 and 1 more transcripts); c.1463C>G, p.Pro488Arg (NM_001407663.1, NM_001407653.1, NM_001407654.1 and 4 more transcripts); c.1418C>G, p.Pro473Arg (NM_001407664.1, NM_001407665.1, NM_001407666.1 and 19 more transcripts); c.1415C>G, p.Pro472Arg (NM_001407670.1, NM_001407671.1, NM_001407672.1 and 11 more transcripts); c.1541C>G, p.Pro514Arg (NM_001407684.1, NM_001407854.1, NM_001407858.1 and 30 more transcripts); c.1400C>G, p.Pro467Arg (NM_001407692.1, NM_001407694.1, NM_001407695.1 and 29 more transcripts); c.1397C>G, p.Pro466Arg (NM_001407740.1, NM_001407741.1, NM_001407742.1 and 20 more transcripts); c.1328C>G, p.Pro443Arg (NM_001407853.1, NM_001407894.1, NM_001407895.1 and 9 more transcripts); and 40 more; short protein forms P514R, P467R, P387R, P403R, P443R, P444R, P446R, P513R.
Identifiers: ClinVar variation 630130 (VCV000630130.8), dbSNP rs56100707, ClinGen allele CA10598968.
Genomic context (GRCh38, chr17:43,093,990, plus strand): 5'-TGATTTATCATTTCAGGAGTCTTTTGAACTGCCAAATCTGCTTTCTTGATAAAATCCTCA[G>C]GATGAAGGCCTGATGTAGGTCTCCTTTTACGCTTTAATTTATTTGTGAGGGGACGCTCTT-3'
Protein context (NP_009225.1, residues 504-524): RKRRPTSGLH[Pro514Arg]EDFIKKADLA